The following is an entry in ClinVar:

ClinVar aggregate classification (germline): Conflicting classifications of pathogenicity. Review status: criteria provided, conflicting classifications (1 of 4 stars). 3 submissions from 3 submitters: Uncertain significance (2); Benign (1). Last evaluated 2025-05-21.

Conditions:
Hereditary breast ovarian cancer syndrome. Also called: BRCA1- and BRCA2-Associated Hereditary Breast and Ovarian Cancer; Hereditary breast and ovarian cancer syndrome; Hereditary breast and ovarian cancer; Hereditary breast and ovarian cancer syndrome (HBOC); Breast and ovarian cancer; Hereditary breast and/or ovarian cancer syndrome. Identifiers: Orphanet 145, MedGen C0677776, MeSH D061325, MONDO:0003582. Disease mechanism: loss of function.
Hereditary cancer-predisposing syndrome. Also called: Hereditary neoplastic syndrome; Hereditary Cancer Syndrome; Neoplastic Syndromes, Hereditary; Tumor predisposition. Identifiers: Orphanet 140162, MedGen C0027672, MeSH D009386, MONDO:0015356.

Submissions (3):

Ambry Genetics
Classification: Benign for Hereditary cancer-predisposing syndrome. Last evaluated: 2025-05-21. Review status: criteria provided, single submitter. Criteria: Ambry Variant Classification Scheme 2023. Collection method: clinical testing. Allele origin: germline.

Labcorp Genetics (formerly Invitae), Labcorp
Classification: Uncertain significance for Hereditary breast ovarian cancer syndrome. Last evaluated: 2024-10-24. Review status: criteria provided, single submitter. Criteria: Invitae Variant Classification Sherloc (09022015). Collection method: clinical testing. Allele origin: germline.
Comment: This sequence change replaces tyrosine, which is neutral and polar, with histidine, which is basic and polar, at codon 2789 of the BRCA2 protein (p.Tyr2789His). This variant is not present in population databases (gnomAD no frequency). This variant has not been reported in the literature in individuals affected with BRCA2-related conditions. ClinVar contains an entry for this variant (Variation ID: 236917). Invitae Evidence Modeling of protein sequence and biophysical properties (such as structural, functional, and spatial information, amino acid conservation, physicochemical variation, residue mobility, and thermodynamic stability) indicates that this missense variant is not expected to disrupt BRCA2 protein function with a negative predictive value of 95%. In summary, the available evidence is currently insufficient to determine the role of this variant in disease. Therefore, it has been classified as a Variant of Uncertain Significance.

GeneDx
Classification: Uncertain significance. Last evaluated: 2022-11-17. Review status: criteria provided, single submitter. Criteria: GeneDx Variant Classification Process June 2021. Collection method: clinical testing. Allele origin: germline. Affected: yes.
Comment: Not observed at significant frequency in large population cohorts (gnomAD); In silico analysis supports that this missense variant does not alter protein structure/function; Has not been previously published as pathogenic or benign to our knowledge; Also known as 8593T>C; This variant is associated with the following publications: (PMID: 12228710)

NM_000059.4(BRCA2):c.8365T>C (p.Tyr2789His)

Gene: BRCA2 (BRCA2 DNA repair associated; plus strand). Cytogenetic location: 13q13.1.
Variant type: single nucleotide variant.
Coding change: c.8365T>C on transcript NM_000059.4 (MANE Select); coding-DNA position 8365, T replaced by C.
Protein change: p.Tyr2789His; replaces tyrosine 2789 with histidine.
Molecular consequence: missense variant.
Genome position (GRCh38, 1-based): chr13:32,370,435, T>C. VCF-style: chr13-32370435-T-C. GRCh37 (hg19) VCF-style: chr13-32944572-T-C.
Other names: short protein forms Y2789H.
Identifiers: ClinVar variation 236917 (VCV000236917.11), dbSNP rs878853609, ClinGen allele CA10583141.